The following is an entry in ClinVar:

ClinVar aggregate classification (germline): Uncertain significance. Review status: criteria provided, multiple submitters, no conflicts (2 of 4 stars). 2 submissions from 2 submitters: Uncertain significance (2). Last evaluated 2026-04-04.

Conditions:
Inborn genetic diseases. Identifiers: MedGen C0950123, MeSH D030342.

Allele frequency attached by ClinVar (database versions not stated): TOPMed below 0.00001.
gnomAD v4.1: 1 of 1,540,506 alleles (0.000065%); highest among the groups gnomAD compares: Non-Finnish European, 0.000089%; no homozygotes.

Submissions (2):

Ambry Genetics
Classification: Uncertain significance for Inborn genetic diseases. Last evaluated: 2026-04-04. Review status: criteria provided, single submitter. Criteria: Ambry Variant Classification Scheme 2023. Collection method: clinical testing. Allele origin: germline.
Comment: The p.D1396N variant (also known as c.4186G>A), located in coding exon 29 of the ANKRD26 gene, results from a G to A substitution at nucleotide position 4186. The aspartic acid at codon 1396 is replaced by asparagine, an amino acid with highly similar properties. This amino acid position is conserved. In addition, this alteration is predicted to be tolerated by in silico analysis. Based on the available evidence, the clinical significance of this variant remains unclear.

Labcorp Genetics (formerly Invitae), Labcorp
Classification: Uncertain significance. Last evaluated: 2022-07-03. Review status: criteria provided, single submitter. Criteria: Invitae Variant Classification Sherloc (09022015). Collection method: clinical testing. Allele origin: germline.
Comment: This sequence change replaces aspartic acid, which is acidic and polar, with asparagine, which is neutral and polar, at codon 1396 of the ANKRD26 protein (p.Asp1396Asn). In summary, the available evidence is currently insufficient to determine the role of this variant in disease. Therefore, it has been classified as a Variant of Uncertain Significance. Algorithms developed to predict the effect of missense changes on protein structure and function output the following: SIFT: "Tolerated"; PolyPhen-2: "Benign"; Align-GVGD: "Class C0". The asparagine amino acid residue is found in multiple mammalian species, which suggests that this missense change does not adversely affect protein function. This variant has not been reported in the literature in individuals affected with ANKRD26-related conditions. This variant is not present in population databases (gnomAD no frequency).

NM_014915.3(ANKRD26):c.4186G>A (p.Asp1396Asn)

Gene: ANKRD26 (ankyrin repeat domain 26; minus strand). Cytogenetic location: 10p12.1.
Variant type: single nucleotide variant.
Coding change: c.4186G>A on transcript NM_014915.3 (MANE Select); coding-DNA position 4186, G replaced by A.
Protein change: p.Asp1396Asn; replaces aspartic acid 1396 with asparagine.
Molecular consequence: missense variant.
Genome position (GRCh38, 1-based): chr10:27,022,587, C>T on the plus strand (G>A on the coding strand, the complement: ANKRD26 is on the minus strand). VCF-style: chr10-27022587-C-T. GRCh37 (hg19) VCF-style: chr10-27311516-C-T.
Other names: c.4183G>A, p.Asp1395Asn (NM_001256053.2); short protein forms D1396N, D1395N.
Identifiers: ClinVar variation 2173663 (VCV002173663.5), dbSNP rs2053526392, ClinGen allele CA376359089.